The following is an entry in ClinVar:

ClinVar aggregate classification (germline): Benign (1 of 4 stars; one submission).

Conditions:
Retinitis pigmentosa (RP). Identifiers: Orphanet 791, MedGen C0035334, MeSH D012174, MONDO:0019200, OMIM 268000. Inheritance: Autosomal dominant, autosomal recessive and X linked inheritance.

Allele frequency attached by ClinVar (database versions not stated): gnomAD exomes 0.58333; 1000 Genomes Project 0.58427; 1000 Genomes Project 30x 0.59447; gnomAD 0.63680 and 0.64714; TOPMed 0.64946.
gnomAD v4.1: 96,814 of 152,122 alleles (64%); highest among the groups gnomAD compares: African/African-American, 74%; 31,351 homozygotes.

Submission:

Illumina Laboratory Services, Illumina
Classification: Benign for Retinitis pigmentosa. Last evaluated: 2018-01-13. Review status: criteria provided, single submitter. Criteria: ICSL Variant Classification Criteria 13 December 2019. Collection method: clinical testing. Allele origin: germline.
Comment: This variant was observed in the ICSL laboratory as part of a predisposition screen in an ostensibly healthy population. It had not been previously curated by ICSL or reported in the Human Gene Mutation Database (HGMD: prior to June 1st, 2018), and was therefore a candidate for classification through an automated scoring system. Utilizing variant allele frequency, disease prevalence and penetrance estimates, and inheritance mode, an automated score was calculated to assess if this variant is too frequent to cause the disease. Based on the score and internal cut-off values, a variant classified as benign is not then subjected to further curation. The score for this variant resulted in a classification of benign for this disease.

NM_000440.3(PDE6A):c.*608T>C

Gene: PDE6A (phosphodiesterase 6A; minus strand). Cytogenetic location: 5q32.
Variant type: single nucleotide variant.
Coding change: c.*608T>C on transcript NM_000440.3 (MANE Select); 608 bases downstream of the stop codon, T replaced by C.
Molecular consequence: 3 prime UTR variant.
Genome position (GRCh38, 1-based): chr5:149,860,287, A>G on the plus strand (T>C on the coding strand, the complement: PDE6A is on the minus strand). VCF-style: chr5-149860287-A-G. GRCh37 (hg19) VCF-style: chr5-149239850-A-G.
Identifiers: ClinVar variation 351972 (VCV000351972.5), dbSNP rs4705389, ClinGen allele CA10619636.